The following is an entry in ClinVar:

ClinVar aggregate classification (germline): Uncertain significance. Review status: criteria provided, multiple submitters, no conflicts (2 of 4 stars). 2 submissions from 2 submitters: Uncertain significance (2). Last evaluated 2024-06-25.

Conditions:
Rubinstein-Taybi syndrome (RSTS). Identifiers: Orphanet 783, MedGen C0035934, MONDO:0019188.

gnomAD v4.1: 8 of 1,614,122 alleles (0.0005%); highest among the groups gnomAD compares: South Asian, 0.0011%; no homozygotes.

Submissions (2):

Labcorp Genetics (formerly Invitae), Labcorp
Classification: Uncertain significance for Rubinstein-Taybi syndrome. Last evaluated: 2024-06-25. Review status: criteria provided, single submitter. Criteria: Invitae Variant Classification Sherloc (09022015). Collection method: clinical testing. Allele origin: germline.
Comment: This sequence change replaces arginine, which is basic and polar, with histidine, which is basic and polar, at codon 742 of the CREBBP protein (p.Arg742His). This variant is present in population databases (rs748747684, gnomAD 0.003%). This variant has not been reported in the literature in individuals affected with CREBBP-related conditions. ClinVar contains an entry for this variant (Variation ID: 2430411). Advanced modeling of protein sequence and biophysical properties (such as structural, functional, and spatial information, amino acid conservation, physicochemical variation, residue mobility, and thermodynamic stability) performed at Invitae indicates that this missense variant is not expected to disrupt CREBBP protein function with a negative predictive value of 80%. In summary, the available evidence is currently insufficient to determine the role of this variant in disease. Therefore, it has been classified as a Variant of Uncertain Significance.

GeneDx
Classification: Uncertain significance. Last evaluated: 2022-08-16. Review status: criteria provided, single submitter. Criteria: GeneDx Variant Classification Process June 2021. Collection method: clinical testing. Allele origin: germline. Affected: yes.
Comment: In silico analysis supports that this missense variant has a deleterious effect on protein structure/function; Has not been previously published as pathogenic or benign to our knowledge

NM_004380.3(CREBBP):c.2225G>A (p.Arg742His)

Gene: CREBBP (CREB binding lysine acetyltransferase; minus strand). Cytogenetic location: 16p13.3.
Variant type: single nucleotide variant.
Coding change: c.2225G>A on transcript NM_004380.3 (MANE Select); coding-DNA position 2225, G replaced by A.
Protein change: p.Arg742His; replaces arginine 742 with histidine.
Molecular consequence: missense variant.
Genome position (GRCh38, 1-based): chr16:3,774,627, C>T on the plus strand (G>A on the coding strand, the complement: CREBBP is on the minus strand). VCF-style: chr16-3774627-C-T. GRCh37 (hg19) VCF-style: chr16-3824628-C-T.
Other names: c.2111G>A, p.Arg704His (NM_001079846.1); short protein forms R704H, R742H.
Identifiers: ClinVar variation 2430411 (VCV002430411.3), dbSNP rs748747684, ClinGen allele CA7870209.